The following is an entry in ClinVar:

NM_001297.5(CNGB1):c.160C>A (p.Pro54Thr)

Gene: CNGB1 (cyclic nucleotide gated channel subunit beta 1; minus strand). Cytogenetic location: 16q21.
Variant type: single nucleotide variant.
Coding change: c.160C>A on transcript NM_001297.5 (MANE Select); coding-DNA position 160, C replaced by A.
Protein change: p.Pro54Thr; replaces proline 54 with threonine.
Molecular consequence: missense variant.
Genome position (GRCh38, 1-based): chr16:57,964,544, G>T on the plus strand (C>A on the coding strand, the complement: CNGB1 is on the minus strand). VCF-style: chr16-57964544-G-T. GRCh37 (hg19) VCF-style: chr16-57998448-G-T.
Other names: c.160C>A, p.Pro54Thr (NM_001286130.2, NM_001135639.2); short protein forms P54T.
Identifiers: ClinVar variation 1345885 (VCV001345885.7), dbSNP rs200557535, ClinGen allele CA281627145.

ClinVar aggregate classification (germline): Uncertain significance. Review status: criteria provided, single submitter (1 of 4 stars). 2 submissions from 2 submitters: Uncertain significance (1). 1 of the submissions does not count toward it. Last evaluated 2021-12-24.

Conditions:
Retinal dystrophy. Also called: Inherited retinal dystrophy. Identifiers: Orphanet 71862, MedGen C0854723, MeSH D058499, MONDO:0019118, HP:0000556.

Allele frequency attached by ClinVar (database versions not stated): gnomAD 0.00001; gnomAD exomes 0.00001; TOPMed 0.00002.
gnomAD v4.1: 18 of 1,614,106 alleles (0.0011%); highest among the groups gnomAD compares: South Asian, 0.0044%; no homozygotes.

Submissions (2):

Labcorp Genetics (formerly Invitae), Labcorp
Classification: Uncertain significance. Last evaluated: 2021-12-24. Review status: criteria provided, single submitter. Criteria: Invitae Variant Classification Sherloc (09022015). Collection method: clinical testing. Allele origin: germline.
Comment: In summary, the available evidence is currently insufficient to determine the role of this variant in disease. Therefore, it has been classified as a Variant of Uncertain Significance. This sequence change replaces proline, which is neutral and non-polar, with threonine, which is neutral and polar, at codon 54 of the CNGB1 protein (p.Pro54Thr). This variant is present in population databases (rs200557535, gnomAD 0.01%). This variant has not been reported in the literature in individuals affected with CNGB1-related conditions. Algorithms developed to predict the effect of missense changes on protein structure and function (SIFT, PolyPhen-2, Align-GVGD) all suggest that this variant is likely to be tolerated.

Institute of Human Genetics, Univ. Regensburg, Univ. Regensburg
Classification: Uncertain significance for Retinal dystrophy. Last evaluated: 2023-01-01. Review status: no assertion criteria provided. Criteria: ACMG Guidelines, 2015. Collection method: clinical testing. Allele origin: germline. Affected: yes. Not counted in ClinVar's aggregate classification.